The following is an entry in ClinVar:

ClinVar aggregate classification (germline): Uncertain significance (1 of 4 stars; one submission).

Conditions:
Kabuki syndrome. Also called: Kabuki make-up syndrome; NIIKAWA-KUROKI SYNDROME. Identifiers: Orphanet 2322, MedGen C0796004, MONDO:0016512.

Submission:

Labcorp Genetics (formerly Invitae), Labcorp
Classification: Uncertain significance for Kabuki syndrome. Last evaluated: 2026-01-19. Review status: criteria provided, single submitter. Criteria: Invitae Variant Classification Sherloc (09022015). Collection method: clinical testing. Allele origin: germline.
Comment: This sequence change replaces serine, which is neutral and polar, with glycine, which is neutral and non-polar, at codon 2201 of the KMT2D protein (p.Ser2201Gly). This variant is not present in population databases (gnomAD no frequency). This variant has not been reported in the literature in individuals affected with KMT2D-related conditions. Invitae Evidence Modeling of protein sequence and biophysical properties (such as structural, functional, and spatial information, amino acid conservation, physicochemical variation, residue mobility, and thermodynamic stability) indicates that this missense variant is not expected to disrupt KMT2D protein function with a negative predictive value of 95%. In summary, the available evidence is currently insufficient to determine the role of this variant in disease. Therefore, it has been classified as a Variant of Uncertain Significance.

NM_003482.4(KMT2D):c.6601A>G (p.Ser2201Gly)

Gene: KMT2D (lysine methyltransferase 2D; minus strand). Cytogenetic location: 12q13.12.
Variant type: single nucleotide variant.
Coding change: c.6601A>G on transcript NM_003482.4 (MANE Select); coding-DNA position 6601, A replaced by G.
Protein change: p.Ser2201Gly; replaces serine 2201 with glycine.
Molecular consequence: missense variant.
Genome position (GRCh38, 1-based): chr12:49,041,169, T>C on the plus strand (A>G on the coding strand, the complement: KMT2D is on the minus strand). VCF-style: chr12-49041169-T-C. GRCh37 (hg19) VCF-style: chr12-49434952-T-C.
Other names: short protein forms S2201G.
Identifiers: ClinVar variation 4772729 (VCV004772729.1).
Genomic context (GRCh38, chr12:49,041,169, plus strand): 5'-CAGCCCCAGGACGAGATGAGGCGCCCAGCATCGGGGGCTGCGCAGGGGCCCCCGTAGGAC[T>C]AGGATAGGGGGGATAGGTGGGCGGTGCCGTGGGGAAGCGGGGCTCCAGGGGATAGGCAGG-3'
Protein context (NP_003473.3, residues 2191-2211): TAPPTYPPYP[Ser2201Gly]PTGAPAQPPM